The following is an entry in ClinVar:

ClinVar aggregate classification (germline): Uncertain significance. Review status: criteria provided, multiple submitters, no conflicts (2 of 4 stars). 2 submissions from 2 submitters: Uncertain significance (2). Last evaluated 2025-11-25.

Allele frequency attached by ClinVar (database versions not stated): gnomAD exomes below 0.00001; gnomAD 0.00001; TOPMed 0.00001.
gnomAD v4.1: 6 of 1,517,190 alleles (0.0004%); highest among the groups gnomAD compares: Non-Finnish European, 0.00044%; no homozygotes.

Submissions (2):

Ambry Genetics
Classification: Uncertain significance. Last evaluated: 2025-11-25. Review status: criteria provided, single submitter. Criteria: Ambry Variant Classification Scheme 2023. Collection method: clinical testing. Allele origin: germline.

Labcorp Genetics (formerly Invitae), Labcorp
Classification: Uncertain significance. Last evaluated: 2024-02-06. Review status: criteria provided, single submitter. Criteria: Invitae Variant Classification Sherloc (09022015). Collection method: clinical testing. Allele origin: germline.
Comment: This sequence change replaces lysine, which is basic and polar, with glutamic acid, which is acidic and polar, at codon 134 of the SPPL2A protein (p.Lys134Glu). This variant is not present in population databases (gnomAD no frequency). This variant has not been reported in the literature in individuals affected with SPPL2A-related conditions. ClinVar contains an entry for this variant (Variation ID: 1969365). An algorithm developed to predict the effect of missense changes on protein structure and function (PolyPhen-2) suggests that this variant is likely to be tolerated. In summary, the available evidence is currently insufficient to determine the role of this variant in disease. Therefore, it has been classified as a Variant of Uncertain Significance.

NM_032802.4(SPPL2A):c.400A>G (p.Lys134Glu)

Gene: SPPL2A (signal peptide peptidase like 2A; minus strand). Cytogenetic location: 15q21.2.
Variant type: single nucleotide variant.
Coding change: c.400A>G on transcript NM_032802.4 (MANE Select); coding-DNA position 400, A replaced by G.
Protein change: p.Lys134Glu; replaces lysine 134 with glutamic acid.
Molecular consequence: missense variant.
Genome position (GRCh38, 1-based): chr15:50,748,163, T>C on the plus strand (A>G on the coding strand, the complement: SPPL2A is on the minus strand). VCF-style: chr15-50748163-T-C. GRCh37 (hg19) VCF-style: chr15-51040360-T-C.
Other names: c.400A>G (NM_032802.3); short protein forms K134E.
Identifiers: ClinVar variation 1969365 (VCV001969365.6), dbSNP rs1477650649, ClinGen allele CA392413985.